The following is an entry in ClinVar:

NM_003051.4(SLC16A1):c.402G>T (p.Met134Ile)

Gene: SLC16A1 (solute carrier family 16 member 1; minus strand). Cytogenetic location: 1p13.2.
Variant type: single nucleotide variant.
Coding change: c.402G>T on transcript NM_003051.4 (MANE Select); coding-DNA position 402, G replaced by T.
Protein change: p.Met134Ile; replaces methionine 134 with isoleucine.
Molecular consequence: missense variant.
Genome position (GRCh38, 1-based): chr1:112,918,004, C>A on the plus strand (G>T on the coding strand, the complement: SLC16A1 is on the minus strand). VCF-style: chr1-112918004-C-A. GRCh37 (hg19) VCF-style: chr1-113460626-C-A.
Other names: c.402G>T, p.Met134Ile (NM_001166496.2); short protein forms M134I.
Identifiers: ClinVar variation 4698191 (VCV004698191.1).

ClinVar aggregate classification (germline): Uncertain significance (1 of 4 stars; one submission).

Submission:

Labcorp Genetics (formerly Invitae), Labcorp
Classification: Uncertain significance. Last evaluated: 2025-11-08. Review status: criteria provided, single submitter. Criteria: Invitae Variant Classification Sherloc (09022015). Collection method: clinical testing. Allele origin: germline.
Comment: This sequence change replaces methionine, which is neutral and non-polar, with isoleucine, which is neutral and non-polar, at codon 134 of the SLC16A1 protein (p.Met134Ile). This variant is not present in population databases (gnomAD no frequency). This variant has not been reported in the literature in individuals affected with SLC16A1-related conditions. An algorithm developed to predict the effect of missense changes on protein structure and function (PolyPhen-2) suggests that this variant is likely to be tolerated. In summary, the available evidence is currently insufficient to determine the role of this variant in disease. Therefore, it has been classified as a Variant of Uncertain Significance.